The following is an entry in ClinVar:

NM_024854.5(PYROXD1):c.1224T>G (p.Phe408Leu)

Gene: PYROXD1 (pyridine nucleotide-disulphide oxidoreductase domain 1; plus strand). Cytogenetic location: 12p12.1.
Variant type: single nucleotide variant.
Coding change: c.1224T>G on transcript NM_024854.5 (MANE Select); coding-DNA position 1224, T replaced by G.
Protein change: p.Phe408Leu; replaces phenylalanine 408 with leucine.
Molecular consequence: missense variant.
Genome position (GRCh38, 1-based): chr12:21,467,588, T>G. VCF-style: chr12-21467588-T-G. GRCh37 (hg19) VCF-style: chr12-21620522-T-G.
Other names: c.1011T>G, p.Phe337Leu (NM_001350912.2); c.447T>G, p.Phe149Leu (NM_001350913.2); short protein forms F408L, F149L, F337L.
Identifiers: ClinVar variation 2044561 (VCV002044561.4), dbSNP rs1417783172, ClinGen allele CA384111742.

ClinVar aggregate classification (germline): Uncertain significance (1 of 4 stars; one submission).

Allele frequency attached by ClinVar (database versions not stated): gnomAD exomes below 0.00001; gnomAD 0.00001.
gnomAD v4.1: 2 of 1,611,754 alleles (0.00012%); highest among the groups gnomAD compares: Admixed American, 0.0017%; no homozygotes.

Submission:

Labcorp Genetics (formerly Invitae), Labcorp
Classification: Uncertain significance. Last evaluated: 2022-01-27. Review status: criteria provided, single submitter. Criteria: Invitae Variant Classification Sherloc (09022015). Collection method: clinical testing. Allele origin: germline.
Comment: This sequence change replaces phenylalanine, which is neutral and non-polar, with leucine, which is neutral and non-polar, at codon 408 of the PYROXD1 protein (p.Phe408Leu). This variant is present in population databases (no rsID available, gnomAD 0.003%). In summary, the available evidence is currently insufficient to determine the role of this variant in disease. Therefore, it has been classified as a Variant of Uncertain Significance. Algorithms developed to predict the effect of missense changes on protein structure and function are either unavailable or do not agree on the potential impact of this missense change (SIFT: "Deleterious"; PolyPhen-2: "Probably Damaging"; Align-GVGD: "Class C0"). This variant has not been reported in the literature in individuals affected with PYROXD1-related conditions.